The following is an entry in ClinVar:

ClinVar aggregate classification (germline): Uncertain significance (1 of 4 stars; one submission).

Submission:

Labcorp Genetics (formerly Invitae), Labcorp
Classification: Uncertain significance. Last evaluated: 2022-02-18. Review status: criteria provided, single submitter. Criteria: Invitae Variant Classification Sherloc (09022015). Collection method: clinical testing. Allele origin: germline.
Comment: In summary, the available evidence is currently insufficient to determine the role of this variant in disease. Therefore, it has been classified as a Variant of Uncertain Significance. This variant has not been reported in the literature in individuals affected with REST-related conditions. A copy number gain of the genomic region encompassing the full coding sequence of the REST gene has been identified. The boundaries of this event are unknown as they extend beyond the assayed region for this gene and therefore may encompass additional genes. As the precise location of this event is unknown, it may be in tandem or it may be located elsewhere in the genome.

NC_000004.11:g.(?_57776805)_(57798318_?)dup

Gene: REST (RE1 silencing transcription factor; plus strand). Cytogenetic location: 4q12.
Variant type: Duplication.
Identifiers: ClinVar variation 2425387 (VCV002425387.4).